The following is an entry in ClinVar:

ClinVar aggregate classification (germline): Uncertain significance (1 of 4 stars; one submission).

gnomAD v4.1: 1 of 1,613,862 alleles (0.000062%); highest among the groups gnomAD compares: Non-Finnish European, 0.000085%; no homozygotes.

Submission:

Labcorp Genetics (formerly Invitae), Labcorp
Classification: Uncertain significance. Last evaluated: 2022-07-25. Review status: criteria provided, single submitter. Criteria: Invitae Variant Classification Sherloc (09022015). Collection method: clinical testing. Allele origin: germline.
Comment: This variant has not been reported in the literature in individuals affected with PTPN23-related conditions. This variant is not present in population databases (gnomAD no frequency). This sequence change replaces arginine, which is basic and polar, with serine, which is neutral and polar, at codon 57 of the PTPN23 protein (p.Arg57Ser). ClinVar contains an entry for this variant (Variation ID: 1394520). In summary, the available evidence is currently insufficient to determine the role of this variant in disease. Therefore, it has been classified as a Variant of Uncertain Significance. Algorithms developed to predict the effect of missense changes on protein structure and function are either unavailable or do not agree on the potential impact of this missense change (SIFT: "Tolerated"; PolyPhen-2: "Not Available"; Align-GVGD: "Class C0").

NM_015466.4(PTPN23):c.169C>A (p.Arg57Ser)

Gene: PTPN23 (protein tyrosine phosphatase non-receptor type 23; plus strand). Cytogenetic location: 3p21.31.
Variant type: single nucleotide variant.
Coding change: c.169C>A on transcript NM_015466.4 (MANE Select); coding-DNA position 169, C replaced by A.
Protein change: p.Arg57Ser; replaces arginine 57 with serine.
Molecular consequence: missense variant. On other transcripts: intron variant (1).
Genome position (GRCh38, 1-based): chr3:47,404,661, C>A. VCF-style: chr3-47404661-C-A. GRCh37 (hg19) VCF-style: chr3-47446151-C-A.
Other names: c.-91-344C>A (NM_001304482.2); short protein forms R57S.
Identifiers: ClinVar variation 1394520 (VCV001394520.6), dbSNP rs895113567, ClinGen allele CA352539940.